The following is an entry in ClinVar:

NM_000492.4(CFTR):c.3368-1G>A

Genes: CFTR (CF transmembrane conductance regulator; plus strand), CFTR-AS2 (CFTR antisense RNA 2; minus strand). Cytogenetic location: 7q31.2.
Variant type: single nucleotide variant.
Coding change: c.3368-1G>A on transcript NM_000492.4 (MANE Select); the canonical splice acceptor site of the intron before coding-DNA position 3368, G replaced by A.
Molecular consequence: splice acceptor variant.
Genome position (GRCh38, 1-based): chr7:117,614,612, G>A. VCF-style: chr7-117614612-G-A. GRCh37 (hg19) VCF-style: chr7-117254666-G-A.
Identifiers: ClinVar variation 3720772 (VCV003720772.4), dbSNP rs397508547.

ClinVar aggregate classification (germline): Pathogenic/Likely pathogenic. Review status: criteria provided, multiple submitters, no conflicts (2 of 4 stars). 3 submissions from 3 submitters: Pathogenic (2); Likely pathogenic (1). Last evaluated 2025-10-14.

Conditions:
Cystic fibrosis (CF). Also called: MUCOVISCIDOSIS. Identifiers: Orphanet 586, MedGen C0010674, MONDO:0009061, OMIM 219700. Disease mechanism: loss of function.
CFTR-related disorder (CFTR-RD). Also called: CFTR-related disorders; CFTR-related condition. Identifiers: MedGen C5924204, MONDO:7770004.

Submissions (3):

Women's Health and Genetics/Laboratory Corporation of America, LabCorp
Classification: Pathogenic for Cystic fibrosis. Last evaluated: 2025-10-14. Review status: criteria provided, single submitter. Criteria: LabCorp Variant Classification Summary - May 2015. Collection method: clinical testing. Allele origin: germline.
Comment: Variant summary: CFTR c.3368-1G>A is located in a canonical splice-site and is predicted to affect mRNA splicing resulting in a significantly altered protein due to either exon skipping, shortening, or inclusion of intronic material. Variants that disrupt the consensus splice site are a relatively common cause of aberrant splicing and loss of CFTR function. Several computational tools predict a significant impact on normal splicing: Four predict the variant abolishes a 3' acceptor site. However, these predictions have yet to be confirmed by functional studies. The variant was absent in 250910 control chromosomes. To our knowledge, no occurrence of c.3368-1G>A in individuals affected with CFTR-related conditions and no experimental evidence demonstrating its impact on protein function have been reported. A splice-site variant, CFTR c.3368-2A>G, at the same acceptor splice-site has been classified as pathogenic by our laboratory. ClinVar contains an entry for this variant (Variation ID: 3720772). Based on the evidence outlined above, the variant was classified as pathogenic.

Natera, Inc.
Classification: Pathogenic for CFTR-related disorders. Last evaluated: 2024-12-26. Review status: criteria provided, single submitter. Criteria: Natera Variant Classification Schema (03/2026). Collection method: clinical testing. Allele origin: germline.
Comment: The c.3368-1G>A variant in CFTR is a canonical splice acceptor site variant predicted to affect pre-mRNA splicing, which may result in an abnormal transcript and altered protein product. This variant is expected to result in nonsense mediated decay, truncation, or a dysfunctional protein product. This variant is rare in the general population with a frequency below the threshold expected for the associated phenotype(s). Another variant at this same site results in an alteration predicted to cause a similar molecular effect has been observed in individual(s) with the associated phenotype. Given the available evidence, this variant is classified as Pathogenic.

Labcorp Genetics (formerly Invitae), Labcorp
Classification: Likely pathogenic for Cystic fibrosis. Last evaluated: 2024-10-02. Review status: criteria provided, single submitter. Criteria: Invitae Variant Classification Sherloc (09022015). Collection method: clinical testing. Allele origin: germline.
Comment: This sequence change affects an acceptor splice site in intron 20 of the CFTR gene. It is expected to disrupt RNA splicing. Variants that disrupt the donor or acceptor splice site typically lead to a loss of protein function (PMID: 16199547), and loss-of-function variants in CFTR are known to be pathogenic (PMID: 1695717, 7691345, 9725922). This variant is not present in population databases (gnomAD no frequency). This variant has not been reported in the literature in individuals affected with CFTR-related conditions. Algorithms developed to predict the effect of sequence changes on RNA splicing suggest that this variant may disrupt the consensus splice site. In summary, the currently available evidence indicates that the variant is pathogenic, but additional data are needed to prove that conclusively. Therefore, this variant has been classified as Likely Pathogenic.

Literature cited by the submitters: PubMed 16199547 (cited by Labcorp Genetics (formerly Invitae), Labcorp); PubMed 1695717 (cited by Labcorp Genetics (formerly Invitae), Labcorp); PubMed 7691345 (cited by Labcorp Genetics (formerly Invitae), Labcorp); PubMed 9725922 (cited by Labcorp Genetics (formerly Invitae), Labcorp).